The following is an entry in ClinVar:

ClinVar aggregate classification (germline): Uncertain significance (1 of 4 stars; one submission).

Conditions:
Hypertrophic cardiomyopathy. Also called: HYPERTROPHIC MYOCARDIOPATHY. Identifiers: Orphanet 217569, MedGen C0007194, MeSH D002312, MONDO:0005045, HP:0001639.

Submission:

Labcorp Genetics (formerly Invitae), Labcorp
Classification: Uncertain significance for Hypertrophic cardiomyopathy. Last evaluated: 2019-07-30. Review status: criteria provided, single submitter. Criteria: Invitae Variant Classification Sherloc (09022015). Collection method: clinical testing. Allele origin: germline.
Comment: This sequence change replaces lysine with methionine at codon 351 of the MYH7 protein (p.Lys351Met). The lysine residue is highly conserved and there is a moderate physicochemical difference between lysine and methionine. This variant is not present in population databases (ExAC no frequency). This variant has not been reported in the literature in individuals with MYH7-related conditions. Algorithms developed to predict the effect of missense changes on protein structure and function are either unavailable or do not agree on the potential impact of this missense change (SIFT: "Deleterious"; PolyPhen-2: "Possibly Damaging"; Align-GVGD: "Class C0"). This variant is found within a region of MYH7 between codons 181 and 937 that contains the majority of the myosin head domain. Missense variants in this region have been shown to be significantly overrepresented in individuals with hypertrophic cardiomyopathy (PMID: 27532257). In summary, the available evidence is currently insufficient to determine the role of this variant in disease. Therefore, it has been classified as a Variant of Uncertain Significance.

Literature cited by the submitters: PubMed 27532257.

NM_000257.4(MYH7):c.1052A>T (p.Lys351Met)

Gene: MYH7 (myosin heavy chain 7; minus strand). Cytogenetic location: 14q11.2.
Variant type: single nucleotide variant.
Coding change: c.1052A>T on transcript NM_000257.4 (MANE Select); coding-DNA position 1052, A replaced by T.
Protein change: p.Lys351Met; replaces lysine 351 with methionine.
Molecular consequence: missense variant.
Genome position (GRCh38, 1-based): chr14:23,429,861, T>A on the plus strand (A>T on the coding strand, the complement: MYH7 is on the minus strand). VCF-style: chr14-23429861-T-A. GRCh37 (hg19) VCF-style: chr14-23899070-T-A.
Other names: short protein forms K351M.
Identifiers: ClinVar variation 941575 (VCV000941575.9), dbSNP rs1555338462, ClinGen allele CA389051461.